The following is an entry in ClinVar:

NM_006899.5(IDH3B):c.415T>C (p.Phe139Leu)

Gene: IDH3B (isocitrate dehydrogenase (NAD(+)) 3 non-catalytic subunit beta; minus strand). Cytogenetic location: 20p13.
Variant type: single nucleotide variant.
Coding change: c.415T>C on transcript NM_006899.5 (MANE Select); coding-DNA position 415, T replaced by C.
Protein change: p.Phe139Leu; replaces phenylalanine 139 with leucine.
Molecular consequence: missense variant. On other transcripts: non-coding transcript variant (1).
Genome position (GRCh38, 1-based): chr20:2,660,813, A>G on the plus strand (T>C on the coding strand, the complement: IDH3B is on the minus strand). VCF-style: chr20-2660813-A-G. GRCh37 (hg19) VCF-style: chr20-2641459-A-G.
Other names: c.415T>C, p.Phe139Leu (NM_001258384.3, NM_001330763.2, NM_174855.4); short protein forms F139L.
Identifiers: ClinVar variation 1495017 (VCV001495017.6), dbSNP rs764171480, ClinGen allele CA9735287.

ClinVar aggregate classification (germline): Uncertain significance (1 of 4 stars; one submission).

Allele frequency attached by ClinVar (database versions not stated): gnomAD exomes below 0.00001; ExAC 0.00001; gnomAD 0.00001; TOPMed 0.00001.
gnomAD v4.1: 7 of 1,614,050 alleles (0.00043%); highest among the groups gnomAD compares: East Asian, 0.0022%; no homozygotes.

Submission:

Labcorp Genetics (formerly Invitae), Labcorp
Classification: Uncertain significance. Last evaluated: 2025-01-06. Review status: criteria provided, single submitter. Criteria: Invitae Variant Classification Sherloc (09022015). Collection method: clinical testing. Allele origin: germline.
Comment: This sequence change replaces phenylalanine, which is neutral and non-polar, with leucine, which is neutral and non-polar, at codon 139 of the IDH3B protein (p.Phe139Leu). This variant is present in population databases (rs764171480, gnomAD 0.003%). This variant has not been reported in the literature in individuals affected with IDH3B-related conditions. ClinVar contains an entry for this variant (Variation ID: 1495017). Invitae Evidence Modeling of protein sequence and biophysical properties (such as structural, functional, and spatial information, amino acid conservation, physicochemical variation, residue mobility, and thermodynamic stability) indicates that this missense variant is expected to disrupt IDH3B protein function with a positive predictive value of 80%. In summary, the available evidence is currently insufficient to determine the role of this variant in disease. Therefore, it has been classified as a Variant of Uncertain Significance.